The following is an entry in ClinVar:

NM_020066.5(FMN2):c.3131C>T (p.Pro1044Leu)

Gene: FMN2 (formin 2; plus strand). Cytogenetic location: 1q43.
Variant type: single nucleotide variant.
Coding change: c.3131C>T on transcript NM_020066.5 (MANE Select); coding-DNA position 3131, C replaced by T.
Protein change: p.Pro1044Leu; replaces proline 1044 with leucine.
Molecular consequence: missense variant. On other transcripts: intron variant (1).
Genome position (GRCh38, 1-based): chr1:240,207,943, C>T. VCF-style: chr1-240207943-C-T. GRCh37 (hg19) VCF-style: chr1-240371243-C-T.
Other names: c.3143C>T, p.Pro1048Leu (NM_001305424.2); c.1986+19681C>T (NM_001348094.2); short protein forms P1048L, P1044L.
Identifiers: ClinVar variation 1033518 (VCV001033518.25), dbSNP rs202165125, ClinGen allele CA345435245.

ClinVar aggregate classification (germline): Uncertain significance. Review status: criteria provided, multiple submitters, no conflicts (2 of 4 stars). 2 submissions from 2 submitters: Uncertain significance (2). Last evaluated 2023-10-01.

Conditions:
Intellectual developmental disorder, autosomal recessive 47. Also called: Intellectual disability, autosomal recessive 47. Identifiers: Orphanet 88616, MedGen C4015444, MONDO:0014524, OMIM 616193.

Submissions (2):

CeGaT Center for Human Genetics Tuebingen
Classification: Uncertain significance. Last evaluated: 2023-10-01. Review status: criteria provided, single submitter. Criteria: CeGaT Center For Human Genetics Tuebingen Variant Classification Criteria Version 2. Collection method: clinical testing. Allele origin: germline. Affected: yes. Observed: 1 variant allele.

Baylor Genetics
Classification: Uncertain significance for Intellectual developmental disorder, autosomal recessive 47. Last evaluated: 2018-01-25. Review status: criteria provided, single submitter. Criteria: ACMG Guidelines, 2015. Collection method: clinical testing. Allele origin: maternal. Affected: yes.
Comment: This variant was determined to be of uncertain significance according to ACMG Guidelines, 2015 [PMID:25741868].